The following is an entry in ClinVar:

ClinVar aggregate classification (germline): Uncertain significance. Review status: criteria provided, multiple submitters, no conflicts (2 of 4 stars). 3 submissions from 3 submitters: Uncertain significance (3). Last evaluated 2024-11-05.

Conditions:
Hereditary cancer-predisposing syndrome. Also called: Tumor predisposition; Hereditary neoplastic syndrome; Hereditary Cancer Syndrome; Neoplastic Syndromes, Hereditary. Identifiers: Orphanet 140162, MedGen C0027672, MeSH D009386, MONDO:0015356.
Retinoblastoma (RB1). Also called: RETINOBLASTOMA, SOMATIC. Identifiers: Orphanet 790, MedGen C0035335, MeSH D012175, MONDO:0008380, OMIM 180200, HP:0009919. Disease mechanism: loss of function. Inheritance: Both sporadic and heritable forms are tested..

Allele frequency attached by ClinVar (database versions not stated): gnomAD exomes below 0.00001; TOPMed below 0.00001; gnomAD 0.00001.
gnomAD v4.1: 2 of 1,612,416 alleles (0.00012%); highest among the groups gnomAD compares: Non-Finnish European, 0.00017%; no homozygotes.

Submissions (3):

Labcorp Genetics (formerly Invitae), Labcorp
Classification: Uncertain significance for Retinoblastoma. Last evaluated: 2024-11-05. Review status: criteria provided, single submitter. Criteria: Invitae Variant Classification Sherloc (09022015). Collection method: clinical testing. Allele origin: germline.
Comment: This sequence change replaces arginine, which is basic and polar, with serine, which is neutral and polar, at codon 71 of the RB1 protein (p.Arg71Ser). This variant is not present in population databases (gnomAD no frequency). This variant has not been reported in the literature in individuals affected with RB1-related conditions. ClinVar contains an entry for this variant (Variation ID: 936748). Invitae Evidence Modeling of protein sequence and biophysical properties (such as structural, functional, and spatial information, amino acid conservation, physicochemical variation, residue mobility, and thermodynamic stability) indicates that this missense variant is not expected to disrupt RB1 protein function with a negative predictive value of 80%. In summary, the available evidence is currently insufficient to determine the role of this variant in disease. Therefore, it has been classified as a Variant of Uncertain Significance.

Ambry Genetics
Classification: Uncertain significance for Hereditary cancer-predisposing syndrome. Last evaluated: 2023-12-17. Review status: criteria provided, single submitter. Criteria: Ambry Variant Classification Scheme 2023. Collection method: clinical testing. Allele origin: germline.
Comment: The p.R71S variant (also known as c.213A>T), located in coding exon 2 of the RB1 gene, results from an A to T substitution at nucleotide position 213. The arginine at codon 71 is replaced by serine, an amino acid with dissimilar properties. This amino acid position is conserved. In addition, the in silico prediction for this alteration is inconclusive. Since supporting evidence is limited at this time, the clinical significance of this alteration remains unclear.

Sema4
Classification: Uncertain significance for Hereditary cancer-predisposing syndrome. Last evaluated: 2021-12-21. Review status: criteria provided, single submitter. Criteria: Sema4 Curation Guidelines. Collection method: curation. Allele origin: germline.
Comment: The RB1 c.213A>T (p.R71S) variant has not been reported in the literature to our knowledge. It was not observed in the large and broad cohorts of the Genome Aggregation Database (PMID: 32461654). This variant has been reported in ClinVar (Variation ID 936748). Functional studies have not been performed, and in silico predictions of the variant's effect on protein function are inconclusive. The evidence is insufficient to meet ACMG/AMP criteria for classifying the variant as benign or pathogenic. Thus, the clinical significance of this variant is currently uncertain.

NM_000321.3(RB1):c.213A>T (p.Arg71Ser)

Gene: RB1 (RB transcriptional corepressor 1; plus strand). Cytogenetic location: 13q14.2.
Variant type: single nucleotide variant.
Coding change: c.213A>T on transcript NM_000321.3 (MANE Select); coding-DNA position 213, A replaced by T.
Protein change: p.Arg71Ser; replaces arginine 71 with serine.
Molecular consequence: missense variant.
Genome position (GRCh38, 1-based): chr13:48,307,355, A>T. VCF-style: chr13-48307355-A-T. GRCh37 (hg19) VCF-style: chr13-48881491-A-T.
Other names: short protein forms R71S.
Identifiers: ClinVar variation 936748 (VCV000936748.11), dbSNP rs1326990660, ClinGen allele CA388250592.
Genomic context (GRCh38, chr13:48,307,355, plus strand): 5'-AACAGAAGAACCTGATTTTACTGCATTATGTCAGAAATTAAAGATACCAGATCATGTCAG[A>T]GAGAGAGCTTGGTTAACTTGGGAGAAAGTTTCATCTGTGGATGGAGTATTGGTAAGGATT-3'
Protein context (NP_000312.2, residues 61-81): CQKLKIPDHV[Arg71Ser]ERAWLTWEKV